The following is an entry in ClinVar:

ClinVar aggregate classification (germline): Uncertain significance (1 of 4 stars; one submission).

gnomAD v4.1: 38 of 1,613,730 alleles (0.0024%); highest among the groups gnomAD compares: Non-Finnish European, 0.0031%; no homozygotes.

Submission:

Labcorp Genetics (formerly Invitae), Labcorp
Classification: Uncertain significance. Last evaluated: 2025-12-29. Review status: criteria provided, single submitter. Criteria: Invitae Variant Classification Sherloc (09022015). Collection method: clinical testing. Allele origin: germline.
Comment: This sequence change replaces methionine, which is neutral and non-polar, with valine, which is neutral and non-polar, at codon 495 of the P4HB protein (p.Met495Val). This variant is present in population databases (rs143647285, gnomAD 0.006%). This variant has not been reported in the literature in individuals affected with P4HB-related conditions. ClinVar contains an entry for this variant (Variation ID: 3723002). An algorithm developed to predict the effect of missense changes on protein structure and function (PolyPhen-2) suggests that this variant is likely to be tolerated. In summary, the available evidence is currently insufficient to determine the role of this variant in disease. Therefore, it has been classified as a Variant of Uncertain Significance.

NM_000918.4(P4HB):c.1483A>G (p.Met495Val)

Gene: P4HB (prolyl 4-hydroxylase subunit beta; minus strand). Cytogenetic location: 17q25.3.
Variant type: single nucleotide variant.
Coding change: c.1483A>G on transcript NM_000918.4 (MANE Select); coding-DNA position 1483, A replaced by G.
Protein change: p.Met495Val; replaces methionine 495 with valine.
Molecular consequence: missense variant.
Genome position (GRCh38, 1-based): chr17:81,844,056, T>C on the plus strand (A>G on the coding strand, the complement: P4HB is on the minus strand). VCF-style: chr17-81844056-T-C. GRCh37 (hg19) VCF-style: chr17-79801932-T-C.
Other names: short protein forms M495V.
Identifiers: ClinVar variation 3723002 (VCV003723002.2).